The following is an entry in ClinVar:

NM_005585.5(SMAD6):c.1004C>T (p.Ala335Val)

Gene: SMAD6 (SMAD family member 6; plus strand). Cytogenetic location: 15q22.31.
Variant type: single nucleotide variant.
Coding change: c.1004C>T on transcript NM_005585.5 (MANE Select); coding-DNA position 1004, C replaced by T.
Protein change: p.Ala335Val; replaces alanine 335 with valine.
Molecular consequence: missense variant. On other transcripts: non-coding transcript variant (1).
Genome position (GRCh38, 1-based): chr15:66,781,048, C>T. VCF-style: chr15-66781048-C-T. GRCh37 (hg19) VCF-style: chr15-67073386-C-T.
Other names: short protein forms A335V.
Identifiers: ClinVar variation 4743665 (VCV004743665.1).

ClinVar aggregate classification (germline): Uncertain significance (1 of 4 stars; one submission).

Conditions:
Aortic valve disease 2 (AOVD2). Identifiers: MedGen C3542024, MONDO:0013902, OMIM 614823.

Submission:

Labcorp Genetics (formerly Invitae), Labcorp
Classification: Uncertain significance for Aortic valve disease 2. Last evaluated: 2025-12-10. Review status: criteria provided, single submitter. Criteria: Invitae Variant Classification Sherloc (09022015). Collection method: clinical testing. Allele origin: germline.
Comment: This sequence change replaces alanine, which is neutral and non-polar, with valine, which is neutral and non-polar, at codon 335 of the SMAD6 protein (p.Ala335Val). This variant is not present in population databases (gnomAD no frequency). This variant has not been reported in the literature in individuals affected with SMAD6-related conditions. Invitae Evidence Modeling of protein sequence and biophysical properties (such as structural, functional, and spatial information, amino acid conservation, physicochemical variation, residue mobility, and thermodynamic stability) indicates that this missense variant is not expected to disrupt SMAD6 protein function with a negative predictive value of 80%. In summary, the available evidence is currently insufficient to determine the role of this variant in disease. Therefore, it has been classified as a Variant of Uncertain Significance.